The following is an entry in ClinVar:

NM_007294.4(BRCA1):c.994C>T (p.Arg332Trp)

Gene: BRCA1 (BRCA1 DNA repair associated; minus strand). Cytogenetic location: 17q21.31.
Variant type: single nucleotide variant.
Coding change: c.994C>T on transcript NM_007294.4 (MANE Select); coding-DNA position 994, C replaced by T.
Protein change: p.Arg332Trp; replaces arginine 332 with tryptophan.
Molecular consequence: missense variant. On other transcripts: intron variant (137).
Genome position (GRCh38, 1-based): chr17:43,094,537, G>A on the plus strand (C>T on the coding strand, the complement: BRCA1 is on the minus strand). VCF-style: chr17-43094537-G-A. GRCh37 (hg19) VCF-style: chr17-41246554-G-A.
Other names: c.574+207C>T (NM_001408493.1, NM_001408490.1, NM_001408491.1); c.454+207C>T (NM_001408502.1); c.577+207C>T (NM_001408489.1, NM_001408479.1, NM_001408482.1 and 9 more transcripts); c.661+207C>T (NM_001408445.1, NM_001408432.1, NM_001408450.1 and 6 more transcripts); c.667+1309C>T (NM_001408431.1, NM_001408424.1, NM_001408421.1); c.784+207C>T (NM_001408407.1, NM_001408402.1, NM_001408473.1 and 13 more transcripts); c.664+207C>T (NM_001408443.1, NM_001408439.1, NM_001408425.1 and 12 more transcripts); c.670+1309C>T (NM_001408419.1, NM_001408422.1, NM_001408418.1 and 2 more transcripts); and 40 more; short protein forms R332W, R285W, R221W, R262W, R264W, R291W, R305W, R36W.
Identifiers: ClinVar variation 55775 (VCV000055775.34), dbSNP rs80357176, ClinGen allele CA004004.

ClinVar aggregate classification (germline): Conflicting classifications of pathogenicity. Review status: criteria provided, conflicting classifications (1 of 4 stars). 12 submissions from 12 submitters: Uncertain significance (4); Likely benign (4). 4 of the submissions do not count toward it. Last evaluated 2026-01-05.

Conditions:
Breast and/or ovarian cancer. Identifiers: MedGen CN221562.
Breast-ovarian cancer, familial, susceptibility to, 1 (BROVCA1). Also called: BRCA1 Hereditary Breast and Ovarian Cancer; OVARIAN CANCER, SUSCEPTIBILITY TO. Identifiers: Orphanet 145, MedGen C2676676, MONDO:0011450, OMIM 604370. Disease mechanism: loss of function.
Familial cancer of breast. Also called: hereditary breast carcinoma; BREAST CANCER, FAMILIAL; Hereditary breast cancer. Identifiers: Orphanet 227535, MedGen C0346153, MONDO:0016419, OMIM 114480. Disease mechanism: loss of function.
Hereditary cancer-predisposing syndrome. Also called: Hereditary Cancer Syndrome; Hereditary neoplastic syndrome; Neoplastic Syndromes, Hereditary; Tumor predisposition. Identifiers: Orphanet 140162, MedGen C0027672, MeSH D009386, MONDO:0015356.
Hereditary breast ovarian cancer syndrome. Also called: BRCA1- and BRCA2-Associated Hereditary Breast and Ovarian Cancer; Hereditary breast and ovarian cancer syndrome; Hereditary breast and ovarian cancer syndrome (HBOC); Breast and ovarian cancer; Hereditary breast and/or ovarian cancer syndrome; Hereditary breast and ovarian cancer. Identifiers: Orphanet 145, MedGen C0677776, MeSH D061325, MONDO:0003582. Disease mechanism: loss of function.

Allele frequency attached by ClinVar (database versions not stated): gnomAD exomes 0.00001; TOPMed 0.00002; gnomAD 0.00002.
gnomAD v4.1: 18 of 1,613,872 alleles (0.0011%); highest among the groups gnomAD compares: African/African-American, 0.004%; no homozygotes.

Submissions (12):

Labcorp Genetics (formerly Invitae), Labcorp
Classification: Likely benign for Hereditary breast ovarian cancer syndrome. Last evaluated: 2026-01-05. Review status: criteria provided, single submitter. Criteria: Invitae Variant Classification Sherloc (09022015). Collection method: clinical testing. Allele origin: germline.

Color Diagnostics, LLC DBA Color Health
Classification: Likely benign for Hereditary cancer-predisposing syndrome. Last evaluated: 2025-10-01. Review status: criteria provided, single submitter. Criteria: ACMG Guidelines, 2015. Collection method: clinical testing. Allele origin: germline.

Ambry Genetics
Classification: Uncertain significance for Hereditary cancer-predisposing syndrome. Last evaluated: 2024-07-11. Review status: criteria provided, single submitter. Criteria: Ambry Variant Classification Scheme 2023. Collection method: clinical testing. Allele origin: germline.
Comment: The p.R332W variant (also known as c.994C>T), located in coding exon 9 of the BRCA1 gene, results from a C to T substitution at nucleotide position 994. The arginine at codon 332 is replaced by tryptophan, an amino acid with dissimilar properties. This alteration has been identified in individuals with personal and/or family histories of breast, ovarian and/or pancreatic cancer (Tarabeux J et al. Eur. J. Hum. Genet. 2014 Apr; 22:535-41; Young EL et al. BMC Cancer, 2018 Jun;18:697; Peixoto A et al. Front Oncol, 2020 Jul;10:1318; Abdel-Razeq H et al. Front Oncol, 2022 Mar;12:673094). This variant was also observed in 1/3251 individuals who met eligibility criteria for hereditary breast and ovarian cancer syndrome (Lerner-Ellis J et al. J Cancer Res Clin Oncol, 2021 Mar;147:871-879). This amino acid position is poorly conserved in available vertebrate species. In addition, the in silico prediction for this alteration is inconclusive. Based on the available evidence, the clinical significance of this variant remains unclear.

Women's Health and Genetics/Laboratory Corporation of America, LabCorp
Classification: Uncertain significance. Last evaluated: 2024-06-12. Review status: criteria provided, single submitter. Criteria: LabCorp Variant Classification Summary - May 2015. Collection method: clinical testing. Allele origin: germline.
Comment: Variant summary: BRCA1 c.994C>T (p.Arg332Trp) results in a non-conservative amino acid change in the encoded protein sequence. Three of five in-silico tools predict a benign effect of the variant on protein function. The variant allele was found at a frequency of 8e-06 in 251342 control chromosomes (gnomAD). The available data on variant occurrences in the general population are insufficient to allow any conclusion about variant significance. c.994C>T has been reported in the literature in individuals affected with different types of cancers including but not limited to breast cancer, ovarian cancer, and pancreatic cancer (example: Pereira_2022, Abdel-Razeq_2022, Peixoto_2020, Young_2018) without strong evidence for or against pathogenicity. Somatic occurrence of the variant has also been reported in individuals with colorectal cancer (Yu_2013). These report(s) do not provide unequivocal conclusions about association of the variant with Hereditary Breast And Ovarian Cancer Syndrome. The following publications have been ascertained in the context of this evaluation (PMID: 35980532, 35402282, 34290354, 31294896, 37335020, 31112341, 32850417, 23942203, 30545397, 29945567, 24951259). ClinVar contains an entry for this variant (Variation ID: 55775). Based on the evidence outlined above, the variant was classified as uncertain significance.

MGZ Medical Genetics Center
Classification: Likely benign for Familial cancer of breast. Last evaluated: 2024-02-09. Review status: criteria provided, single submitter. Criteria: CSpec BRCA1/2ACMG Rules Specifications V1.1.0. Collection method: clinical testing. Allele origin: germline. Affected: yes.
Comment: ACMG codes applied following ENIGMA VCEP rules: BP1_STR, BP5_SUP

GeneDx
Classification: Uncertain significance. Last evaluated: 2024-01-22. Review status: criteria provided, single submitter. Criteria: GeneDx Variant Classification Process June 2021. Collection method: clinical testing. Allele origin: germline. Affected: yes.
Comment: Observed in individuals with a personal history of breast, ovarian, or pancreatic cancer and in other patients with a personal or family history meeting HBOC testing criteria (PMID: 23942203, 32850417, 29945567, 32885271, 35402282); In silico analysis supports that this missense variant has a deleterious effect on protein structure/function; Not observed at significant frequency in large population cohorts (gnomAD); Also known as 1113C>T; This variant is associated with the following publications: (PMID: 25337278, 15385441, 24951259, 10923033, 23942203, 32850417, 32885271, 29945567, 35980532, 37335020, 32377563, 29884841, 20215511, 15343273, 9926942, 9582019, 11521194, 35402282, 31853058, 31131967)

Quest Diagnostics Nichols Institute San Juan Capistrano
Classification: Uncertain significance. Last evaluated: 2023-11-14. Review status: criteria provided, single submitter. Criteria: Quest Diagnostics criteria. Collection method: clinical testing. Allele origin: unknown.
Comment: The BRCA1 c.994C>T (p.Arg332Trp) variant has been reported in the published literature in individuals with a personal and/or family history of breast cancer (PMID: 33471991 (2021), see also LOVD, 35402282 (2022), 35980532 (2022)), lung cancer (PMID: 32885271 (2021)), ovarian cancer (PMID: 32850417 (2020)), and pancreatic cancer (PMID: 29945567 (2018)), and is described to be located in a region of the BRCA1 gene that is tolerant to missense sequence changes (PMID: 31911673 (2020)). A multifactorial analysis classified this variant as likely benign (PMID: 31131967 (2019)). The frequency of this variant in the general population, 0.000008 (2/251342 chromosomes (Genome Aggregation Database)), is uninformative in the assessment of its pathogenicity. Analysis of this variant using bioinformatics tools for the prediction of the effect of amino acid changes on protein structure and function yielded predictions that this variant is benign. Based on the available information, we are unable to determine the clinical significance of this variant.

University of Washington Department of Laboratory Medicine, University of Washington
Classification: Likely benign for Hereditary cancer-predisposing syndrome. Last evaluated: 2023-03-23. Review status: criteria provided, single submitter. Criteria: Dines et al. (Genet Med. 2020). Collection method: curation. Allele origin: germline.
Comment: Missense variant in a coldspot region where missense variants are very unlikely to be pathogenic (PMID:31911673).

BRCA1 coldspot (exon 11 using historical exon numbering). Reclassification based on statistical prior probability

Counsyl
Classification: Uncertain significance for Breast-ovarian cancer, familial, susceptibility to, 1. Last evaluated: 2017-04-04. Review status: no assertion criteria provided. Collection method: clinical testing. Allele origin: unknown. Not counted in ClinVar's aggregate classification.

Foulkes Cancer Genetics LDI, Lady Davis Institute for Medical Research
Classification: Uncertain significance for Breast and/or ovarian cancer. Last evaluated: 2015-12-03. Review status: no assertion criteria provided. Collection method: clinical testing. Allele origin: germline. Study: The Canadian Open Genetics Repository (COGR). Not counted in ClinVar's aggregate classification.

Breast Cancer Information Core (BIC) (BRCA1)
Classification: Uncertain significance for Breast-ovarian cancer, familial 1. Last evaluated: 2004-02-20. Review status: no assertion criteria provided. Collection method: clinical testing. Allele origin: germline. Affected: yes. Observed: 1 variant allele. Not counted in ClinVar's aggregate classification.

Department of Pathology and Laboratory Medicine, Sinai Health System
Classification: Uncertain significance for Breast-ovarian cancer, familial, susceptibility to, 1. Review status: no assertion criteria provided. Collection method: clinical testing. Allele origin: unknown. Affected: yes. Study: The Canadian Open Genetics Repository (COGR). Not counted in ClinVar's aggregate classification.
Comment: The BRCA1 p.Arg332Trp variant was identified in 1 of 154 proband chromosomes (frequency: 0.006) from individuals with a family history of breast cancer (Tarabeux 2014). The variant was identified in dbSNP (rs80357176) as â€šÃ„Ãºwith uncertain significance allele, ClinVar (classified as uncertain significance by Invitae, Color, GeneDx, Ambry Genetics and 3 other submitters) and UMD-LSDB (observed 1x). The variant was not identified in LOVD 3.0. The variant was identified in control databases in 2 of 251,342 chromosomes at a frequency of 0.000008 (Genome Aggregation Database Feb 27, 2017). The variant was observed in the following populations: Other in 1 of 6130 chromosomes (freq: 0.0002), European in 1 of 113,704 chromosomes (freq: 0.000009), while the variant was not observed in the African, Latino, Ashkenazi Jewish, East Asian, Finnish and South Asian populations. The p.Arg332 residue is not conserved in mammals and computational analyses (PolyPhen-2, SIFT, AlignGVGD, BLOSUM, MutationTaster) provide inconsistent predictions regarding the impact to the protein; this information is not very predictive of pathogenicity. The variant occurs outside of the splicing consensus sequence and in silico or computational prediction software programs (SpliceSiteFinder, MaxEntScan, NNSPLICE, GeneSplicer) do not predict a difference in splicing. In summary, based on the above information the clinical significance of this variant cannot be determined with certainty at this time. This variant is classified as a variant of uncertain significance.

Literature cited by the submitters: PubMed 23942203 (cited by 3 submitters); PubMed 29945567 (cited by 3 submitters); PubMed 32850417 (cited by 3 submitters); PubMed 32885271 (cited by Ambry Genetics and Quest Diagnostics Nichols Institute San Juan Capistrano); PubMed 35402282 (cited by 3 submitters); PubMed 24951259 (cited by Women's Health and Genetics/Laboratory Corporation of America, LabCorp and Counsyl); PubMed 31112341 (cited by Women's Health and Genetics/Laboratory Corporation of America, LabCorp); PubMed 31294896 (cited by Women's Health and Genetics/Laboratory Corporation of America, LabCorp); PubMed 34290354 (cited by Women's Health and Genetics/Laboratory Corporation of America, LabCorp); PubMed 35980532 (cited by Women's Health and Genetics/Laboratory Corporation of America, LabCorp and Quest Diagnostics Nichols Institute San Juan Capistrano); PubMed 37335020 (cited by Women's Health and Genetics/Laboratory Corporation of America, LabCorp); PubMed 30545397 (cited by Women's Health and Genetics/Laboratory Corporation of America, LabCorp); PubMed 31131967 (cited by Quest Diagnostics Nichols Institute San Juan Capistrano); PubMed 15385441 (cited by Quest Diagnostics Nichols Institute San Juan Capistrano and Counsyl); PubMed 33471991 (cited by Quest Diagnostics Nichols Institute San Juan Capistrano); PubMed 31911673 (cited by Quest Diagnostics Nichols Institute San Juan Capistrano).